The following is an entry in ClinVar:

ClinVar aggregate classification (germline): Uncertain significance. Review status: criteria provided, multiple submitters, no conflicts (2 of 4 stars). 2 submissions from 2 submitters: Uncertain significance (2). Last evaluated 2022-10-07.

Conditions:
Intellectual developmental disorder, autosomal dominant 63, with macrocephaly. Also called: MENTAL RETARDATION, AUTOSOMAL DOMINANT 63, WITH MACROCEPHALY. Identifiers: MedGen C5394205, MONDO:0032939, OMIM 618825.

Allele frequency attached by ClinVar (database versions not stated): gnomAD 0.00001; gnomAD exomes 0.00001 and 0.00002; TOPMed 0.00001.
gnomAD v4.1: 13 of 1,614,050 alleles (0.00081%); highest among the groups gnomAD compares: Admixed American, 0.0083%; no homozygotes.

Submissions (2):

GeneDx
Classification: Uncertain significance. Last evaluated: 2022-10-07. Review status: criteria provided, single submitter. Criteria: GeneDx Variant Classification Process June 2021. Collection method: clinical testing. Allele origin: germline. Affected: yes.
Comment: In silico analysis supports that this missense variant has a deleterious effect on protein structure/function; Has not been previously published as pathogenic or benign to our knowledge

UNC Molecular Genetics  Laboratory, University of North Carolina at Chapel Hill
Classification: Uncertain significance for Intellectual developmental disorder, autosomal dominant 63, with macrocephaly. Last evaluated: 2021-01-01. Review status: criteria provided, single submitter. Criteria: ACMG Guidelines, 2015. Collection method: research. Allele origin: maternal. Observed: 1 variant allele. Study: CSER_NCGENES.
Comment: The TRIO c.1319G>A (p.Arg440Gln) missense variant results in an arginine to glutamine substitution in exon 7 of 57 of the encoded protein. To our knowledge, this variant has not been previously reported in affected individuals in the literature. This is a rare variant in the human population and is present in the Genome Aggregation Database (gnomAD) with a minor allele frequency 0.0016% (4/251,292 alleles, 0 homozygotes) in all populations. Computational prediction tools and conservation analysis provide conflicting expectations regarding an impact to protein function. This variant is located upstream of the encoded domains of the TRIO protein that have been reported with pathogenic missense variants. Considering the available evidence, this variant is classified as a VUS.

NM_007118.4(TRIO):c.1319G>A (p.Arg440Gln)

Gene: TRIO (trio Rho guanine nucleotide exchange factor; plus strand). Cytogenetic location: 5p15.2.
Variant type: single nucleotide variant.
Coding change: c.1319G>A on transcript NM_007118.4 (MANE Select); coding-DNA position 1319, G replaced by A.
Protein change: p.Arg440Gln; replaces arginine 440 with glutamine.
Molecular consequence: missense variant. On other transcripts: non-coding transcript variant (1).
Genome position (GRCh38, 1-based): chr5:14,297,214, G>A. VCF-style: chr5-14297214-G-A. GRCh37 (hg19) VCF-style: chr5-14297323-G-A.
Other names: c.1319G>A (NM_007118.2); short protein forms R440Q.
Identifiers: ClinVar variation 1064568 (VCV001064568.2), dbSNP rs1398653793, ClinGen allele CA359216788.